The following is an entry in ClinVar:

NM_032578.4(MYPN):c.1052C>T (p.Ser351Leu)

Gene: MYPN (myopalladin; plus strand). Cytogenetic location: 10q21.3.
Variant type: single nucleotide variant.
Coding change: c.1052C>T on transcript NM_032578.4 (MANE Select); coding-DNA position 1052, C replaced by T.
Protein change: p.Ser351Leu; replaces serine 351 with leucine.
Molecular consequence: missense variant. On other transcripts: non-coding transcript variant (2).
Genome position (GRCh38, 1-based): chr10:68,143,089, C>T. VCF-style: chr10-68143089-C-T. GRCh37 (hg19) VCF-style: chr10-69902846-C-T.
Other names: c.1052C>T (NM_032578.2); c.1052C>T, p.Ser351Leu (NM_001256267.2); c.170C>T, p.Ser57Leu (NM_001256268.2); short protein forms S351L, S57L.
Identifiers: ClinVar variation 661626 (VCV000661626.14), dbSNP rs747136869, ClinGen allele CA5522405.

ClinVar aggregate classification (germline): Uncertain significance. Review status: criteria provided, multiple submitters, no conflicts (2 of 4 stars). 5 submissions from 5 submitters: Uncertain significance (5). Last evaluated 2024-10-15.

Conditions:
Cardiovascular phenotype. Identifiers: MedGen CN230736.
Dilated cardiomyopathy 1KK (CMD1KK). Identifiers: Orphanet 154, Orphanet 75249, MedGen C3714995, MONDO:0014100, OMIM 615248.

Allele frequency attached by ClinVar (database versions not stated): TOPMed below 0.00001; gnomAD 0.00001; gnomAD exomes 0.00002 and 0.00007; ExAC 0.00013.

Submissions (5):

Labcorp Genetics (formerly Invitae), Labcorp
Classification: Uncertain significance for Dilated cardiomyopathy 1KK. Last evaluated: 2024-10-15. Review status: criteria provided, single submitter. Criteria: Invitae Variant Classification Sherloc (09022015). Collection method: clinical testing. Allele origin: germline.
Comment: This sequence change replaces serine, which is neutral and polar, with leucine, which is neutral and non-polar, at codon 351 of the MYPN protein (p.Ser351Leu). This variant is present in population databases (rs747136869, gnomAD 0.01%). This variant has not been reported in the literature in individuals affected with MYPN-related conditions. ClinVar contains an entry for this variant (Variation ID: 661626). An algorithm developed to predict the effect of missense changes on protein structure and function (PolyPhen-2) suggests that this variant is likely to be disruptive. In summary, the available evidence is currently insufficient to determine the role of this variant in disease. Therefore, it has been classified as a Variant of Uncertain Significance.

Ambry Genetics
Classification: Uncertain significance for Cardiovascular phenotype. Last evaluated: 2024-04-22. Review status: criteria provided, single submitter. Criteria: Ambry Variant Classification Scheme 2023. Collection method: clinical testing. Allele origin: germline.

Blueprint Genetics
Classification: Uncertain significance. Last evaluated: 2023-10-04. Review status: criteria provided, single submitter. Criteria: ACMG Guidelines, 2015. Collection method: clinical testing. Allele origin: germline.

Revvity Omics, Revvity
Classification: Uncertain significance. Last evaluated: 2023-02-16. Review status: criteria provided, single submitter. Criteria: ACMG Guidelines, 2015. Collection method: clinical testing. Allele origin: germline.

Clinical Genetics Laboratory, Skane University Hospital Lund
Classification: Uncertain significance. Last evaluated: 2023-02-09. Review status: criteria provided, single submitter. Criteria: ACMG Guidelines, 2015. Collection method: clinical testing. Allele origin: germline. Affected: yes.